The following is an entry in ClinVar:

NM_022765.4(MICAL1):c.2036G>A (p.Gly679Asp)

Gene: MICAL1 (microtubule associated monooxygenase, calponin and LIM domain containing 1; minus strand). Cytogenetic location: 6q21.
Variant type: single nucleotide variant.
Coding change: c.2036G>A on transcript NM_022765.4 (MANE Select); coding-DNA position 2036, G replaced by A.
Protein change: p.Gly679Asp; replaces glycine 679 with aspartic acid.
Molecular consequence: missense variant.
Genome position (GRCh38, 1-based): chr6:109,447,391, C>T on the plus strand (G>A on the coding strand, the complement: MICAL1 is on the minus strand). VCF-style: chr6-109447391-C-T. GRCh37 (hg19) VCF-style: chr6-109768594-C-T.
Other names: c.2036G>A (NM_022765.3); c.1778G>A, p.Gly593Asp (NM_001159291.2); c.2093G>A, p.Gly698Asp (NM_001286613.2); short protein forms G679D, G593D, G698D.
Identifiers: ClinVar variation 2727870 (VCV002727870.4), dbSNP rs190609453, ClinGen allele CA3953104.
Genomic context (GRCh38, chr6:109,447,391, plus strand): 5'-GCCTGCACACAAAGCCTGGCTCTCACCTCCTGGTGTTGGGATGGGGGTGTCAGGGGTACA[C>T]CAGGCTCTGGGTCAGGTGGCACCTCAGTACTTGGGGTCTCGGCCTCCATCTAAGGAGGTA-3'
Protein context (NP_073602.3, residues 669-689): STEVPPDPEP[Gly679Asp]VPLTPPSQHQ

ClinVar aggregate classification (germline): Uncertain significance. Review status: criteria provided, multiple submitters, no conflicts (2 of 4 stars). 2 submissions from 2 submitters: Uncertain significance (2). Last evaluated 2025-09-25.

Allele frequency attached by ClinVar (database versions not stated): ESP Exome Variant Server 0.00008.

Submissions (2):

Ambry Genetics
Classification: Uncertain significance. Last evaluated: 2025-09-25. Review status: criteria provided, single submitter. Criteria: Ambry Variant Classification Scheme 2023. Collection method: clinical testing. Allele origin: germline.

Labcorp Genetics (formerly Invitae), Labcorp
Classification: Uncertain significance. Last evaluated: 2025-01-08. Review status: criteria provided, single submitter. Criteria: Invitae Variant Classification Sherloc (09022015). Collection method: clinical testing. Allele origin: germline.
Comment: This sequence change replaces glycine, which is neutral and non-polar, with aspartic acid, which is acidic and polar, at codon 698 of the MICAL1 protein (p.Gly698Asp). This variant is present in population databases (rs190609453, gnomAD 0.0009%). This variant has not been reported in the literature in individuals affected with MICAL1-related conditions. ClinVar contains an entry for this variant (Variation ID: 2727870). An algorithm developed to predict the effect of missense changes on protein structure and function outputs the following: PolyPhen-2: "Benign". The aspartic acid amino acid residue is found in multiple mammalian species, which suggests that this missense change does not adversely affect protein function. In summary, the available evidence is currently insufficient to determine the role of this variant in disease. Therefore, it has been classified as a Variant of Uncertain Significance.